The following is an entry in ClinVar:

NM_000179.3(MSH6):c.418dup (p.Arg140fs)

Gene: MSH6 (mutS homolog 6; plus strand). Cytogenetic location: 2p16.3.
Variant type: Duplication.
Coding change: c.418dup on transcript NM_000179.3 (MANE Select); coding-DNA position 418, one base duplicated (A; older notation c.418dupA).
Protein change: p.Arg140fs; shifts the reading frame from arginine 140.
Molecular consequence: frameshift variant. On other transcripts: non-coding transcript variant (5), intron variant (6), 5 prime UTR variant (7).
Genome position (GRCh38, 1-based): chr2:47,791,084, A duplicated; the last of 2 consecutive A bases (chr2:47,791,083-47,791,084); duplicating either gives the same sequence. VCF-style (leftmost placement, unchanged base first): chr2-47791082-C-CA. GRCh37 (hg19) VCF-style: chr2-48018221-C-CA.
Other names: c.-280+114dup (NM_001406812.1); c.-68-4810dup (NM_001406799.1, NM_001406806.1); c.-279-7527dup (NM_001406816.1, NM_001406815.1); c.238-7527dup (NM_001281492.2); c.-319dup (NM_001281493.2, NM_001406811.1, NM_001406823.1 and 1 more transcripts); c.-485dup (NM_001281494.2); c.514dup, p.Arg172fs (NM_001406795.1, NM_001406802.1); c.418dup, p.Arg140fs (NM_001406796.1, NM_001406798.1, NM_001406800.1 and 6 more transcripts); and 5 more; short protein forms R114fs, R140fs, R172fs, R41fs, R84fs.
Identifiers: ClinVar variation 2673767 (VCV002673767.1), dbSNP rs2530439147, ClinGen allele CA2695200727.

ClinVar aggregate classification (germline): Pathogenic (1 of 4 stars; one submission).

Conditions:
Lynch syndrome 5 (LYNCH5). Also called: Colorectal cancer, hereditary nonpolyposis, type 5; Hereditary non-polyposis colorectal cancer, type 5. Identifiers: Orphanet 144, MedGen C1833477, MONDO:0013710, OMIM 614350. Disease mechanism: loss of function.

Submission:

Myriad Genetics, Inc.
Classification: Pathogenic for Lynch syndrome 5. Last evaluated: 2023-08-10. Review status: criteria provided, single submitter. Criteria: Myriad Autosomal Dominant, Autosomal Recessive and X-Linked Classification Criteria (2023). Collection method: clinical testing. Allele origin: unknown.
Comment: This variant is considered pathogenic. This variant creates a frameshift predicted to result in premature protein truncation.